The following is an entry in ClinVar:

NM_000501.4(ELN):c.116G>A (p.Gly39Glu)

Gene: ELN (elastin; plus strand). Cytogenetic location: 7q11.23.
Variant type: single nucleotide variant.
Coding change: c.116G>A on transcript NM_000501.4 (MANE Select); coding-DNA position 116, G replaced by A.
Protein change: p.Gly39Glu; replaces glycine 39 with glutamic acid.
Molecular consequence: missense variant.
Genome position (GRCh38, 1-based): chr7:74,035,397, G>A. VCF-style: chr7-74035397-G-A. GRCh37 (hg19) VCF-style: chr7-73449727-G-A.
Other names: c.116G>A, p.Gly39Glu (NM_001278917.2, NM_001278918.2, NM_001278939.2 and 9 more transcripts); short protein forms G39E.
Identifiers: ClinVar variation 4088000 (VCV004088000.2).

ClinVar aggregate classification (germline): Uncertain significance. Review status: criteria provided, multiple submitters, no conflicts (2 of 4 stars). 2 submissions from 2 submitters: Uncertain significance (2). Last evaluated 2026-07-19.

Conditions:
Inborn genetic diseases. Identifiers: MedGen C0950123, MeSH D030342.

gnomAD v4.1: 2 of 1,614,106 alleles (0.00012%); highest among the groups gnomAD compares: Non-Finnish European, 0.000085%; no homozygotes.

Submissions (2):

Ambry Genetics
Classification: Uncertain significance for Inborn genetic diseases. Last evaluated: 2026-07-19. Review status: criteria provided, single submitter. Criteria: Ambry Variant Classification Scheme 2023. Collection method: clinical testing. Allele origin: germline.

GeneDx
Classification: Uncertain significance. Last evaluated: 2025-03-26. Review status: criteria provided, single submitter. Criteria: GeneDx Variant Classification Process June 2021. Collection method: clinical testing. Allele origin: germline. Affected: yes.
Comment: Not observed at significant frequency in large population cohorts (gnomAD); In silico analysis supports that this missense variant has a deleterious effect on protein structure/function; Has not been previously published as pathogenic or benign to our knowledge